The following is an entry in ClinVar:

ClinVar aggregate classification (germline): Uncertain significance (1 of 4 stars; one submission).

Allele frequency attached by ClinVar (database versions not stated): gnomAD exomes below 0.00001.
gnomAD v4.1: 1 of 1,515,984 alleles (0.000066%); highest among the groups gnomAD compares: Non-Finnish European, 0.000091%; no homozygotes.

Submission:

Labcorp Genetics (formerly Invitae), Labcorp
Classification: Uncertain significance. Last evaluated: 2023-08-02. Review status: criteria provided, single submitter. Criteria: Invitae Variant Classification Sherloc (09022015). Collection method: clinical testing. Allele origin: germline.
Comment: In summary, the available evidence is currently insufficient to determine the role of this variant in disease. Therefore, it has been classified as a Variant of Uncertain Significance. Experimental studies and prediction algorithms are not available or were not evaluated, and the functional significance of this variant is currently unknown. This variant has not been reported in the literature in individuals affected with POLR3F-related conditions. This variant is not present in population databases (gnomAD no frequency). This sequence change replaces threonine, which is neutral and polar, with serine, which is neutral and polar, at codon 29 of the POLR3F protein (p.Thr29Ser).

NM_006466.4(POLR3F):c.208A>T (p.Thr70Ser)

Gene: POLR3F (RNA polymerase III subunit F; plus strand). Cytogenetic location: 20p11.23.
Variant type: single nucleotide variant.
Coding change: c.208A>T on transcript NM_006466.4 (MANE Select); coding-DNA position 208, A replaced by T.
Protein change: p.Thr70Ser; replaces threonine 70 with serine.
Molecular consequence: missense variant. On other transcripts: non-coding transcript variant (1).
Genome position (GRCh38, 1-based): chr20:18,472,869, A>T. VCF-style: chr20-18472869-A-T. GRCh37 (hg19) VCF-style: chr20-18453513-A-T.
Other names: c.85A>T, p.Thr29Ser (NM_001282526.2); c.208A>T, p.Thr70Ser (NM_001410821.1); short protein forms T29S, T70S.
Identifiers: ClinVar variation 2870765 (VCV002870765.3), dbSNP rs2517418135, ClinGen allele CA408351419.
Genomic context (GRCh38, chr20:18,472,869, plus strand): 5'-CTGACTCCTGTTTTCTACTGTCTTAAAAACTAGGGTCAGTTGGATCTCTTAAGGAGCAAT[A>T]CGGGCCTTTTATATAGAATAAAGGACTCTCAGAATGCTGGGTAAGTACTTGTTTTTTTAA-3'
Protein context (NP_006457.2, residues 60-80): MGQLDLLRSN[Thr70Ser]GLLYRIKDSQ